The following is an entry in ClinVar:

ClinVar aggregate classification (germline): Uncertain significance (1 of 4 stars; one submission).

Submission:

Labcorp Genetics (formerly Invitae), Labcorp
Classification: Uncertain significance. Last evaluated: 2024-04-22. Review status: criteria provided, single submitter. Criteria: Invitae Variant Classification Sherloc (09022015). Collection method: clinical testing. Allele origin: germline.
Comment: This sequence change replaces glutamine, which is neutral and polar, with histidine, which is basic and polar, at codon 126 of the CDSN protein (p.Gln126His). This variant is not present in population databases (gnomAD no frequency). This variant has not been reported in the literature in individuals affected with CDSN-related conditions. Advanced modeling of protein sequence and biophysical properties (such as structural, functional, and spatial information, amino acid conservation, physicochemical variation, residue mobility, and thermodynamic stability) performed at Invitae indicates that this missense variant is not expected to disrupt CDSN protein function with a negative predictive value of 80%. In summary, the available evidence is currently insufficient to determine the role of this variant in disease. Therefore, it has been classified as a Variant of Uncertain Significance.

NM_001264.5(CDSN):c.378A>T (p.Gln126His)

Genes: CDSN (corneodesmosin; minus strand), PSORS1C1 (psoriasis susceptibility 1 candidate 1; plus strand). Cytogenetic location: 6p21.33.
Variant type: single nucleotide variant.
Coding change: c.378A>T on transcript NM_001264.5 (MANE Select); coding-DNA position 378, A replaced by T.
Protein change: p.Gln126His; replaces glutamine 126 with histidine.
Molecular consequence: missense variant. On other transcripts: intron variant (1).
Genome position (GRCh38, 1-based): chr6:31,117,237, T>A on the plus strand (A>T on the coding strand, the complement: CDSN is on the minus strand). VCF-style: chr6-31117237-T-A. GRCh37 (hg19) VCF-style: chr6-31085014-T-A.
Other names: c.-229+2346T>A (NM_014068.3); short protein forms Q126H.
Identifiers: ClinVar variation 3699642 (VCV003699642.2).
Genomic context (GRCh38, chr6:31,117,237, plus strand): 5'-AGAGCCGCTGTTTCCCGAGTGAGAGCTGCTGCTCCCCAGCTGGGAGGAACCGGATGCACC[T>A]TGTAGACTAGAGCCAGATCCGGAGGAGTAGCTGACCTGGGAATACCCCGTTCCTGGCTTA-3'
Protein context (NP_001255.4, residues 116-136): SYSSGSGSSL[Gln126His]GASGSSQLGS